The following is an entry in ClinVar:

NM_002340.6(LSS):c.1109+5G>A

Gene: LSS (lanosterol synthase; minus strand). Cytogenetic location: 21q22.3.
Variant type: single nucleotide variant.
Coding change: c.1109+5G>A on transcript NM_002340.6 (MANE Select); 5 bases into the intron after coding-DNA position 1109, G replaced by A.
Molecular consequence: intron variant.
Genome position (GRCh38, 1-based): chr21:46,213,733, C>T on the plus strand (G>A on the coding strand, the complement: LSS is on the minus strand). VCF-style: chr21-46213733-C-T. GRCh37 (hg19) VCF-style: chr21-47633647-C-T.
Other names: c.1076+5G>A (NM_001145436.2); c.1109+5G>A (NM_001001438.3); c.869+5G>A (NM_001145437.2).
Identifiers: ClinVar variation 1306489 (VCV001306489.2), dbSNP rs1309317375, ClinGen allele CA638191824.

ClinVar aggregate classification (germline): Uncertain significance (1 of 4 stars; one submission).

Allele frequency attached by ClinVar (database versions not stated): gnomAD 0.00002 and 0.00003; TOPMed 0.00002; 1000 Genomes Project 30x 0.00031.
gnomAD v4.1: 28 of 1,612,656 alleles (0.0017%); highest among the groups gnomAD compares: Non-Finnish European, 0.0022%; no homozygotes.

Submission:

GeneDx
Classification: Uncertain significance. Last evaluated: 2019-03-14. Review status: criteria provided, single submitter. Criteria: GeneDx Variant Classification Process June 2021. Collection method: clinical testing. Allele origin: germline. Affected: yes.
Comment: Not observed at a significant frequency in large population cohorts (Lek et al., 2016); In silico analysis, which includes splice predictors and evolutionary conservation, supports a deleterious effect; Has not been previously published as pathogenic or benign to our knowledge